The following is an entry in ClinVar:

NM_001349253.2(SCN11A):c.4879T>C (p.Tyr1627His)

Gene: SCN11A (sodium voltage-gated channel alpha subunit 11; minus strand). Cytogenetic location: 3p22.2.
Variant type: single nucleotide variant.
Coding change: c.4879T>C on transcript NM_001349253.2 (MANE Select); coding-DNA position 4879, T replaced by C.
Protein change: p.Tyr1627His; replaces tyrosine 1627 with histidine.
Molecular consequence: missense variant.
Genome position (GRCh38, 1-based): chr3:38,847,191, A>G on the plus strand (T>C on the coding strand, the complement: SCN11A is on the minus strand). VCF-style: chr3-38847191-A-G. GRCh37 (hg19) VCF-style: chr3-38888682-A-G.
Other names: c.4879T>C, p.Tyr1627His (NM_014139.3); short protein forms Y1627H.
Identifiers: ClinVar variation 474736 (VCV000474736.15), dbSNP rs114854233, ClinGen allele CA2321447.

ClinVar aggregate classification (germline): Conflicting classifications of pathogenicity. Review status: criteria provided, conflicting classifications (1 of 4 stars). 5 submissions from 5 submitters: Uncertain significance (3); Likely benign (2). Last evaluated 2026-07-29.

Conditions:
SCN11A-related disorder. Also called: SCN11A-related condition.
Inborn genetic diseases. Identifiers: MedGen C0950123, MeSH D030342.
Hereditary sensory and autonomic neuropathy type 7. Also called: HSAN VII; Neuropathy, hereditary sensory and autonomic, type VII. Identifiers: Orphanet 391397, MedGen C3809882, MONDO:0014244, OMIM 615548.
Familial episodic pain syndrome with predominantly lower limb involvement. Also called: Episodic pain syndrome, familial, 3. Identifiers: Orphanet 391384, Orphanet 391392, MedGen C3809899, MONDO:0014247, OMIM 615552.

Allele frequency attached by ClinVar (database versions not stated): TOPMed 0.00005; ExAC 0.00007; gnomAD 0.00009; gnomAD exomes 0.00009 and 0.00022; ESP Exome Variant Server 0.00015; 1000 Genomes Project 30x 0.00016; 1000 Genomes Project 0.00020.
gnomAD v4.1: 326 of 1,614,136 alleles (0.02%); highest among the groups gnomAD compares: Non-Finnish European, 0.027%; no homozygotes.

Submissions (5):

PreventionGenetics, part of Exact Sciences
Classification: Uncertain significance for SCN11A-related condition. Last evaluated: 2026-07-29. Review status: criteria provided, single submitter. Criteria: ACMG Guidelines, 2015. Collection method: clinical testing. Allele origin: germline.
Comment: The SCN11A c.4879T>C variant is predicted to result in the amino acid substitution p.Tyr1627His. This variant has been reported in a patient with small fiber neuropathy (Table S2, Scheliga et al. 2024. PubMed ID: 38211845). This variant is reported in 0.019% of alleles in individuals of European (Non-Finnish) descent in gnomAD. Although we suspect that this variant may be benign, at this time, the clinical significance of this variant is uncertain due to the absence of conclusive functional and genetic evidence.

GeneDx
Classification: Uncertain significance. Last evaluated: 2026-01-07. Review status: criteria provided, single submitter. Criteria: GeneDx Variant Classification Process June 2021. Collection method: clinical testing. Allele origin: germline.
Comment: Reported previously in a patient with small fiber neuropathy (PMID: 38211845); In silico analysis supports that this missense variant has a deleterious effect on protein structure/function; This variant is associated with the following publications: (PMID: 40408223, 38211845)

Labcorp Genetics (formerly Invitae), Labcorp
Classification: Uncertain significance for Familial episodic pain syndrome with predominantly lower limb involvement; Hereditary sensory and autonomic neuropathy type 7. Last evaluated: 2025-08-14. Review status: criteria provided, single submitter. Criteria: Invitae Variant Classification Sherloc (09022015). Collection method: clinical testing. Allele origin: germline.
Comment: This sequence change replaces tyrosine, which is neutral and polar, with histidine, which is basic and polar, at codon 1627 of the SCN11A protein (p.Tyr1627His). This variant is present in population databases (rs114854233, gnomAD 0.02%). This missense change has been observed in individual(s) with small fiber neuropathy (PMID: 38211845). ClinVar contains an entry for this variant (Variation ID: 474736). Invitae Evidence Modeling of protein sequence and biophysical properties (such as structural, functional, and spatial information, amino acid conservation, physicochemical variation, residue mobility, and thermodynamic stability) indicates that this missense variant is expected to disrupt SCN11A protein function with a positive predictive value of 80%. In summary, the available evidence is currently insufficient to determine the role of this variant in disease. Therefore, it has been classified as a Variant of Uncertain Significance.

Women's Health and Genetics/Laboratory Corporation of America, LabCorp
Classification: Likely benign. Last evaluated: 2024-12-19. Review status: criteria provided, single submitter. Criteria: LabCorp Variant Classification Summary - May 2015. Collection method: clinical testing. Allele origin: germline.
Comment: Variant summary: SCN11A c.4879T>C (p.Tyr1627His) results in a conservative amino acid change in the encoded protein sequence. Four of five in-silico tools predict a damaging effect of the variant on protein function. The variant allele was found at a frequency of 8.8e-05 in 251026 control chromosomes, predominantly at a frequency of 0.00019 within the Non-Finnish European subpopulation in the gnomAD database. The observed variant frequency within Non-Finnish European control individuals in the gnomAD database is approximately 190 fold of the estimated maximal expected allele frequency for a pathogenic variant in SCN11A causing Hereditary sensory and autonomic neuropathy type 7 phenotype (1e-06). c.4879T>C has been reported in the literature in an individual affected with Small-fiber neuropathy (Scheliga_2024). This report does not provide unequivocal conclusions about association of the variant with Hereditary sensory and autonomic neuropathy type 7. To our knowledge, no experimental evidence demonstrating an impact on protein function has been reported. The following publication has been ascertained in the context of this evaluation (PMID: 38211845). ClinVar contains an entry for this variant (Variation ID: 474736). Based on the evidence outlined above, the variant was classified as likely benign.

Ambry Genetics
Classification: Likely benign for Inborn genetic diseases. Last evaluated: 2020-09-24. Review status: criteria provided, single submitter. Criteria: Ambry Variant Classification Scheme 2023. Collection method: clinical testing. Allele origin: germline.

Literature cited by the submitters: PubMed 38211845 (cited by Labcorp Genetics (formerly Invitae), Labcorp and Women's Health and Genetics/Laboratory Corporation of America, LabCorp).